The following is an entry in ClinVar:

ClinVar aggregate classification (germline): Uncertain significance (1 of 4 stars; one submission).

Conditions:
Charcot-Marie-Tooth disease axonal type 2O. Also called: CHARCOT-MARIE-TOOTH NEUROPATHY, AXONAL, TYPE 2O; CHARCOT-MARIE-TOOTH DISEASE, AXONAL, AUTOSOMAL DOMINANT, TYPE 2O; Charcot-Marie-Tooth Neuropathy Type 2O; Charcot-Marie-Tooth disease, axonal, type 20. Identifiers: Orphanet 284232, MedGen C3280220, MONDO:0013644, OMIM 614228.

Allele frequency attached by ClinVar (database versions not stated): gnomAD 0.00001.
gnomAD v4.1: 1 of 1,614,070 alleles (0.000062%); highest among the groups gnomAD compares: South Asian, 0.0011%; no homozygotes.

Submission:

Labcorp Genetics (formerly Invitae), Labcorp
Classification: Uncertain significance for Charcot-Marie-Tooth disease axonal type 2O. Last evaluated: 2022-06-20. Review status: criteria provided, single submitter. Criteria: Invitae Variant Classification Sherloc (09022015). Collection method: clinical testing. Allele origin: germline.
Comment: In summary, the available evidence is currently insufficient to determine the role of this variant in disease. Therefore, it has been classified as a Variant of Uncertain Significance. Advanced modeling of protein sequence and biophysical properties (such as structural, functional, and spatial information, amino acid conservation, physicochemical variation, residue mobility, and thermodynamic stability) performed at Invitae indicates that this missense variant is not expected to disrupt DYNC1H1 protein function. This variant has not been reported in the literature in individuals affected with DYNC1H1-related conditions. This variant is not present in population databases (gnomAD no frequency). This sequence change replaces isoleucine, which is neutral and non-polar, with threonine, which is neutral and polar, at codon 1401 of the DYNC1H1 protein (p.Ile1401Thr).

NM_001376.5(DYNC1H1):c.4202T>C (p.Ile1401Thr)

Gene: DYNC1H1 (dynein cytoplasmic 1 heavy chain 1; plus strand). Cytogenetic location: 14q32.31.
Variant type: single nucleotide variant.
Coding change: c.4202T>C on transcript NM_001376.5 (MANE Select); coding-DNA position 4202, T replaced by C.
Protein change: p.Ile1401Thr; replaces isoleucine 1401 with threonine.
Molecular consequence: missense variant.
Genome position (GRCh38, 1-based): chr14:102,001,161, T>C. VCF-style: chr14-102001161-T-C. GRCh37 (hg19) VCF-style: chr14-102467498-T-C.
Other names: short protein forms I1401T.
Identifiers: ClinVar variation 2145218 (VCV002145218.4), dbSNP rs2048126318, ClinGen allele CA391040012.
Genomic context (GRCh38, chr14:102,001,161, plus strand): 5'-TAGAAACGCACCTGCACAGATCACTTTGTTTACTTTCTCCACAGATAAATATGCTGGTGA[T>C]TGAACTGAAATCCGAAGCACTTAAAGACCGCCATTGGAAACAGCTCATGAAAAGGCTTCA-3'
Protein context (NP_001367.2, residues 1391-1411): KGYMKINMLV[Ile1401Thr]ELKSEALKDR